The following is an entry in ClinVar:

ClinVar aggregate classification (germline): Benign (1 of 4 stars; one submission).

Conditions:
Premature ovarian failure 2B. Identifiers: MedGen C1845105, MONDO:0010373, OMIM 300604.

Allele frequency attached by ClinVar (database versions not stated): 1000 Genomes Project 0.00079; 1000 Genomes Project 30x 0.00083; TOPMed 0.00182.

Submission:

Illumina Laboratory Services, Illumina
Classification: Benign for Premature ovarian failure 2B. Last evaluated: 2018-01-13. Review status: criteria provided, single submitter. Criteria: ICSL Variant Classification Criteria 13 December 2019. Collection method: clinical testing. Allele origin: germline.
Comment: This variant was observed in the ICSL laboratory as part of a predisposition screen in an ostensibly healthy population. It had not been previously curated by ICSL or reported in the Human Gene Mutation Database (HGMD: prior to June 1st, 2018), and was therefore a candidate for classification through an automated scoring system. Utilizing variant allele frequency, disease prevalence and penetrance estimates, and inheritance mode, an automated score was calculated to assess if this variant is too frequent to cause the disease. Based on the score and internal cut-off values, a variant classified as benign is not then subjected to further curation. The score for this variant resulted in a classification of benign for this disease.

NM_024921.4(POF1B):c.*755G>A

Gene: POF1B (POF1B actin binding protein; minus strand). Cytogenetic location: Xq21.1.
Variant type: single nucleotide variant.
Coding change: c.*755G>A on transcript NM_024921.4 (MANE Select); 755 bases downstream of the stop codon, G replaced by A.
Molecular consequence: 3 prime UTR variant.
Genome position (GRCh38, 1-based): chrX:85,278,666, C>T on the plus strand (G>A on the coding strand, the complement: POF1B is on the minus strand). VCF-style: chrX-85278666-C-T. GRCh37 (hg19) VCF-style: chrX-84533672-C-T.
Identifiers: ClinVar variation 368770 (VCV000368770.5), dbSNP rs41310691, ClinGen allele CA10654413.